The following is an entry in ClinVar:

NC_000007.13:g.(?_128475370)_(128478867_?)del

Gene: FLNC (filamin C; plus strand). Cytogenetic location: 7q32.1.
Variant type: Deletion.
Identifiers: ClinVar variation 1067687 (VCV001067687.1).

ClinVar aggregate classification (germline): Likely pathogenic (1 of 4 stars; one submission).

Conditions:
Myofibrillar myopathy 5. Also called: Filaminopathy (type); FILAMINOPATHY, AUTOSOMAL DOMINANT. Identifiers: Orphanet 171445, MedGen C1836050, MONDO:0012289, OMIM 609524.
Distal myopathy with posterior leg and anterior hand involvement. Also called: WILLIAMS DISTAL MYOPATHY. Identifiers: Orphanet 63273, MedGen C3279722, MONDO:0013550, OMIM 614065.
Hypertrophic cardiomyopathy 26. Also called: Cardiomyopathy, familial hypertrophic, 26. Identifiers: Orphanet 75249, MedGen C4310749, MONDO:0014883, OMIM 617047.
Dilated Cardiomyopathy, Dominant.

Submission:

Labcorp Genetics (formerly Invitae), Labcorp
Classification: Likely pathogenic for Distal myopathy with posterior leg and anterior hand involvement; Myofibrillar myopathy 5; Hypertrophic cardiomyopathy 26. Last evaluated: 2020-08-14. Review status: criteria provided, single submitter. Criteria: Invitae Variant Classification Sherloc (09022015). Collection method: clinical testing. Allele origin: germline.
Comment: This variant is an in-frame deletion of the genomic region encompassing exon(s) 2-8 of the FLNC gene. It preserves the integrity of the reading frame. This variant has not been reported in the literature in individuals with FLNC-related conditions. This variant disrupts the p.Ala193 amino acid residue in FLNC. Other variant(s) that disrupt this residue have been determined to be pathogenic (PMID: 21620354, 30734317, 2781633). This suggests that this residue is clinically significant, and that variants that disrupt this residue are likely to be disease-causing. In summary, the currently available evidence indicates that the variant is pathogenic, but additional data are needed to prove that conclusively. Therefore, this variant has been classified as Likely Pathogenic.

Literature cited by the submitters: PubMed 21620354; PubMed 30734317; PubMed 2781633.